The following is an entry in ClinVar:

ClinVar aggregate classification (germline): Conflicting classifications of pathogenicity. Review status: criteria provided, conflicting classifications (1 of 4 stars). 5 submissions from 5 submitters: Uncertain significance (2); Benign (1); Likely benign (1). 1 of the submissions does not count toward it. Last evaluated 2025-11-01.

Conditions:
Fraser syndrome 1 (FRASRS1). Also called: CRYPTOPHTHALMOS WITH OTHER MALFORMATIONS. Identifiers: Orphanet 2052, MedGen C4551480, MONDO:0054737, OMIM 219000.
FRAS1-related disorder. Also called: FRAS1-related condition.

Allele frequency attached by ClinVar (database versions not stated): 1000 Genomes Project 30x 0.00016; 1000 Genomes Project 0.00020; gnomAD 0.00089 and 0.00091; TOPMed 0.00092; gnomAD exomes 0.00094 and 0.00128; ESP Exome Variant Server 0.00104; ExAC 0.00114.
gnomAD v4.1: 1,562 of 1,613,220 alleles (0.097%); highest among the groups gnomAD compares: Middle Eastern, 0.17%; 4 homozygotes.

Submissions (5):

CeGaT Center for Human Genetics Tuebingen
Classification: Likely benign. Last evaluated: 2025-11-01. Review status: criteria provided, single submitter. Criteria: CeGaT Center For Human Genetics Tuebingen Variant Classification Criteria Version 2. Collection method: clinical testing. Allele origin: germline. Affected: yes. Observed: 1 variant allele.
Comment: FRAS1: BP4, BS1

Blueprint Genetics
Classification: Benign. Last evaluated: 2024-11-22. Review status: criteria provided, single submitter. Criteria: ACMG Guidelines, 2015. Collection method: clinical testing. Allele origin: germline.

Illumina Laboratory Services, Illumina
Classification: Uncertain significance for Fraser syndrome 1. Last evaluated: 2018-01-13. Review status: criteria provided, single submitter. Criteria: ICSL Variant Classification Criteria 13 December 2019. Collection method: clinical testing. Allele origin: germline.

Breakthrough Genomics
Classification: Uncertain significance. Review status: criteria provided, single submitter. Criteria: ACMG Guidelines, 2015. Collection method: not provided. Allele origin: germline. Inheritance: Autosomal recessive inheritance. Affected: yes.

PreventionGenetics, part of Exact Sciences
Classification: Likely benign for FRAS1-related condition. Last evaluated: 2020-03-05. Review status: no assertion criteria provided. Collection method: clinical testing. Allele origin: germline. Not counted in ClinVar's aggregate classification.
Comment: This variant is classified as likely benign based on ACMG/AMP sequence variant interpretation guidelines (Richards et al. 2015 PMID: 25741868, with internal and published modifications).

NM_025074.7(FRAS1):c.4159G>T (p.Ala1387Ser)

Gene: FRAS1 (Fraser extracellular matrix complex subunit 1; plus strand). Cytogenetic location: 4q21.21.
Variant type: single nucleotide variant.
Coding change: c.4159G>T on transcript NM_025074.7 (MANE Select); coding-DNA position 4159, G replaced by T.
Protein change: p.Ala1387Ser; replaces alanine 1387 with serine.
Molecular consequence: missense variant.
Genome position (GRCh38, 1-based): chr4:78,407,692, G>T. VCF-style: chr4-78407692-G-T. GRCh37 (hg19) VCF-style: chr4-79328846-G-T.
Other names: c.4159G>T, p.Ala1387Ser (NM_001166133.2); short protein forms A1387S.
Identifiers: ClinVar variation 907298 (VCV000907298.14), dbSNP rs200689785, ClinGen allele CA2977120.